The following is an entry in ClinVar:

ClinVar aggregate classification (germline): Uncertain significance (1 of 4 stars; one submission).

Allele frequency attached by ClinVar (database versions not stated): gnomAD exomes below 0.00001; ExAC 0.00001; gnomAD 0.00001; TOPMed 0.00001; 1000 Genomes Project 30x 0.00016; 1000 Genomes Project 0.00020.
gnomAD v4.1: 4 of 1,539,690 alleles (0.00026%); highest among the groups gnomAD compares: East Asian, 0.009%; no homozygotes.

Submission:

Labcorp Genetics (formerly Invitae), Labcorp
Classification: Uncertain significance. Last evaluated: 2022-11-29. Review status: criteria provided, single submitter. Criteria: Invitae Variant Classification Sherloc (09022015). Collection method: clinical testing. Allele origin: germline.
Comment: This sequence change replaces histidine, which is basic and polar, with arginine, which is basic and polar, at codon 1477 of the CDK13 protein (p.His1477Arg). This variant is present in population databases (rs550216113, gnomAD 0.01%). This variant has not been reported in the literature in individuals affected with CDK13-related conditions. Advanced modeling of protein sequence and biophysical properties (such as structural, functional, and spatial information, amino acid conservation, physicochemical variation, residue mobility, and thermodynamic stability) performed at Invitae indicates that this missense variant is not expected to disrupt CDK13 protein function. In summary, the available evidence is currently insufficient to determine the role of this variant in disease. Therefore, it has been classified as a Variant of Uncertain Significance.

NM_003718.5(CDK13):c.4430A>G (p.His1477Arg)

Gene: CDK13 (cyclin dependent kinase 13; plus strand). Cytogenetic location: 7p14.1.
Variant type: single nucleotide variant.
Coding change: c.4430A>G on transcript NM_003718.5 (MANE Select); coding-DNA position 4430, A replaced by G.
Protein change: p.His1477Arg; replaces histidine 1477 with arginine.
Molecular consequence: missense variant.
Genome position (GRCh38, 1-based): chr7:40,094,871, A>G. VCF-style: chr7-40094871-A-G. GRCh37 (hg19) VCF-style: chr7-40134470-A-G.
Other names: c.4250A>G, p.His1417Arg (NM_031267.4); short protein forms H1417R, H1477R.
Identifiers: ClinVar variation 2128936 (VCV002128936.4), dbSNP rs550216113, ClinGen allele CA4229126.